The following is an entry in ClinVar:

ClinVar aggregate classification (germline): Conflicting classifications of pathogenicity. Review status: criteria provided, conflicting classifications (1 of 4 stars). 2 submissions from 2 submitters: Uncertain significance (1); Likely benign (1). Last evaluated 2024-12-18.

Conditions:
Congenital myotonia, autosomal dominant form (THD). Also called: THOMSEN DISEASE; Myotonia congenita autosomal dominant. Identifiers: Orphanet 614, MedGen C2936781, MONDO:0008055, OMIM 160800.
Congenital myotonia, autosomal recessive form. Also called: BECKER DISEASE; myotonia congenita, autosomal recessive; Becker Generalized Myotonia. Identifiers: Orphanet 614, MedGen C0751360, MONDO:0009715, OMIM 255700.
Inborn genetic diseases. Identifiers: MedGen C0950123, MeSH D030342.

Allele frequency attached by ClinVar (database versions not stated): gnomAD exomes below 0.00001; gnomAD 0.00002.
gnomAD v4.1: 6 of 1,612,248 alleles (0.00037%); highest among the groups gnomAD compares: Admixed American, 0.0067%; no homozygotes.

Submissions (2):

Labcorp Genetics (formerly Invitae), Labcorp
Classification: Uncertain significance for Congenital myotonia, autosomal recessive form; Congenital myotonia, autosomal dominant form. Last evaluated: 2024-12-18. Review status: criteria provided, single submitter. Criteria: Invitae Variant Classification Sherloc (09022015). Collection method: clinical testing. Allele origin: germline.
Comment: This sequence change replaces histidine, which is basic and polar, with arginine, which is basic and polar, at codon 104 of the CLCN1 protein (p.His104Arg). This variant is not present in population databases (gnomAD no frequency). This variant has not been reported in the literature in individuals affected with CLCN1-related conditions. ClinVar contains an entry for this variant (Variation ID: 3145394). Invitae Evidence Modeling of protein sequence and biophysical properties (such as structural, functional, and spatial information, amino acid conservation, physicochemical variation, residue mobility, and thermodynamic stability) indicates that this missense variant is not expected to disrupt CLCN1 protein function with a negative predictive value of 95%. In summary, the available evidence is currently insufficient to determine the role of this variant in disease. Therefore, it has been classified as a Variant of Uncertain Significance.

Ambry Genetics
Classification: Likely benign for Inborn genetic diseases. Last evaluated: 2023-10-27. Review status: criteria provided, single submitter. Criteria: Ambry Variant Classification Scheme 2023. Collection method: clinical testing. Allele origin: germline.

NM_000083.3(CLCN1):c.311A>G (p.His104Arg)

Gene: CLCN1 (chloride voltage-gated channel 1; plus strand). Cytogenetic location: 7q34.
Variant type: single nucleotide variant.
Coding change: c.311A>G on transcript NM_000083.3 (MANE Select); coding-DNA position 311, A replaced by G.
Protein change: p.His104Arg; replaces histidine 104 with arginine.
Molecular consequence: missense variant. On other transcripts: non-coding transcript variant (1).
Genome position (GRCh38, 1-based): chr7:143,320,673, A>G. VCF-style: chr7-143320673-A-G. GRCh37 (hg19) VCF-style: chr7-143017766-A-G.
Other names: short protein forms H104R.
Identifiers: ClinVar variation 3145394 (VCV003145394.3), dbSNP rs1563073737, ClinGen allele CA369681657.
Genomic context (GRCh38, chr7:143,320,673, plus strand): 5'-GTTTGTTTGTTTGTTGTTTGTTTGTTTGTTTTTTCCCTCATCTCTTCCTAGATTGTATCC[A>G]CCGCCTGGGACAGGTGGTGAGAAGAAAATTAGGGGAAGACGGGATCTTTCTGGTGCTTCT-3'
Protein context (NP_000074.3, residues 94-114): DHYSKCQDCI[His104Arg]RLGQVVRRKL